The following is an entry in ClinVar:

ClinVar aggregate classification (germline): Uncertain significance (1 of 4 stars; one submission).

Submission:

Labcorp Genetics (formerly Invitae), Labcorp
Classification: Uncertain significance. Last evaluated: 2021-08-27. Review status: criteria provided, single submitter. Criteria: Invitae Variant Classification Sherloc (09022015). Collection method: clinical testing. Allele origin: germline.
Comment: This sequence change replaces phenylalanine with leucine at codon 582 of the ADGRG1 protein (p.Phe582Leu). The phenylalanine residue is highly conserved and there is a small physicochemical difference between phenylalanine and leucine. This variant is not present in population databases (ExAC no frequency). This variant has not been reported in the literature in individuals affected with ADGRG1-related conditions. Advanced modeling of protein sequence and biophysical properties (such as structural, functional, and spatial information, amino acid conservation, physicochemical variation, residue mobility, and thermodynamic stability) performed at Invitae indicates that this missense variant is not expected to disrupt ADGRG1 protein function. In summary, the available evidence is currently insufficient to determine the role of this variant in disease. Therefore, it has been classified as a Variant of Uncertain Significance.

NM_201525.4(ADGRG1):c.1726T>C (p.Phe576Leu)

Gene: ADGRG1 (adhesion G protein-coupled receptor G1; plus strand). Cytogenetic location: 16q21.
Variant type: single nucleotide variant.
Coding change: c.1726T>C on transcript NM_201525.4 (MANE Select); coding-DNA position 1726, T replaced by C.
Protein change: p.Phe576Leu; replaces phenylalanine 576 with leucine.
Molecular consequence: missense variant.
Genome position (GRCh38, 1-based): chr16:57,661,758, T>C. VCF-style: chr16-57661758-T-C. GRCh37 (hg19) VCF-style: chr16-57695670-T-C.
Other names: c.1726T>C, p.Phe576Leu (NM_001145770.3, NM_001145772.3, NM_001145774.3 and 7 more transcripts); c.1744T>C, p.Phe582Leu (NM_001145771.3, NM_001370428.1, NM_001370429.1 and 4 more transcripts); c.1741T>C, p.Phe581Leu (NM_001145773.3, NM_001370433.1, NM_001370434.1); c.1234T>C, p.Phe412Leu (NM_001290142.2); c.1219T>C, p.Phe407Leu (NM_001290143.2); c.1201T>C, p.Phe401Leu (NM_001290144.2, NM_001370451.1, NM_001370453.1 and 1 more transcripts); c.1723T>C, p.Phe575Leu (NM_001370441.1); c.1570T>C, p.Phe524Leu (NM_001370442.1); short protein forms F575L, F412L, F576L, F582L, F407L, F401L, F524L, F581L.
Identifiers: ClinVar variation 1461822 (VCV001461822.5), dbSNP rs2148603831, ClinGen allele CA396053329.
Genomic context (GRCh38, chr16:57,661,758, plus strand): 5'-TGCTGGATCCGGGACTCCCTGGTCAGCTACATCACCAACCTGGGCCTCTTCAGCCTGGTG[T>C]TTCTGTTCAACATGGCCATGCTAGCCACCATGGTGGTGCAGATCCTGCGGCTGCGCCCCC-3'
Protein context (NP_958933.1, residues 566-586): ITNLGLFSLV[Phe576Leu]LFNMAMLATM